The following is an entry in ClinVar:

ClinVar aggregate classification (germline): Uncertain significance (1 of 4 stars; one submission).

Submission:

Labcorp Genetics (formerly Invitae), Labcorp
Classification: Uncertain significance. Last evaluated: 2024-08-13. Review status: criteria provided, single submitter. Criteria: Invitae Variant Classification Sherloc (09022015). Collection method: clinical testing. Allele origin: germline.
Comment: This sequence change replaces threonine, which is neutral and polar, with serine, which is neutral and polar, at codon 534 of the LARS2 protein (p.Thr534Ser). This variant is not present in population databases (gnomAD no frequency). This variant has not been reported in the literature in individuals affected with LARS2-related conditions. Invitae Evidence Modeling of protein sequence and biophysical properties (such as structural, functional, and spatial information, amino acid conservation, physicochemical variation, residue mobility, and thermodynamic stability) indicates that this missense variant is not expected to disrupt LARS2 protein function with a negative predictive value of 80%. In summary, the available evidence is currently insufficient to determine the role of this variant in disease. Therefore, it has been classified as a Variant of Uncertain Significance.

NM_015340.4(LARS2):c.1601C>G (p.Thr534Ser)

Genes: LARS2 (leucyl-tRNA synthetase 2, mitochondrial; plus strand), LARS2-AS1 (LARS2 antisense RNA 1; minus strand). Cytogenetic location: 3p21.31.
Variant type: single nucleotide variant.
Coding change: c.1601C>G on transcript NM_015340.4 (MANE Select); coding-DNA position 1601, C replaced by G.
Protein change: p.Thr534Ser; replaces threonine 534 with serine.
Molecular consequence: missense variant.
Genome position (GRCh38, 1-based): chr3:45,496,352, C>G. VCF-style: chr3-45496352-C-G. GRCh37 (hg19) VCF-style: chr3-45537844-C-G.
Other names: c.1601C>G, p.Thr534Ser (NM_001368263.1); short protein forms T534S.
Identifiers: ClinVar variation 3661679 (VCV003661679.2).